The following is an entry in ClinVar:

NM_021625.5(TRPV4):c.915G>A (p.Thr305=)

Gene: TRPV4 (transient receptor potential cation channel subfamily V member 4; minus strand). Cytogenetic location: 12q24.11.
Variant type: single nucleotide variant.
Coding change: c.915G>A on transcript NM_021625.5 (MANE Select); coding-DNA position 915, G replaced by A.
Protein change: p.Thr305=; no amino-acid change (threonine 305 retained).
Molecular consequence: synonymous variant.
Genome position (GRCh38, 1-based): chr12:109,798,851, C>T on the plus strand (G>A on the coding strand, the complement: TRPV4 is on the minus strand). VCF-style: chr12-109798851-C-T. GRCh37 (hg19) VCF-style: chr12-110236656-C-T.
Other names: c.774G>A, p.Thr258= (NM_001177428.2, NM_001177433.2); c.813G>A, p.Thr271= (NM_001177431.2); c.915G>A, p.Thr305= (NM_147204.3).
Identifiers: ClinVar variation 568291 (VCV000568291.11), dbSNP rs1565870990, ClinGen allele CA481867528.

ClinVar aggregate classification (germline): Conflicting classifications of pathogenicity. Review status: criteria provided, conflicting classifications (1 of 4 stars). 2 submissions from 2 submitters: Uncertain significance (1); Likely benign (1). Last evaluated 2019-07-11.

Conditions:
Inborn genetic diseases. Identifiers: MedGen C0950123, MeSH D030342.
Charcot-Marie-Tooth disease axonal type 2C (HMSN2C). Also called: Charcot-Marie-Tooth Disease Type 2, TRPV4-Related (CMT2C); CHARCOT-MARIE-TOOTH DISEASE, AXONAL, AUTOSOMAL DOMINANT, TYPE 2C; Charcot-Marie-Tooth Neuropathy Type 2C. Identifiers: Orphanet 99937, MedGen C1853710, MONDO:0011633, OMIM 606071.

Allele frequency attached by ClinVar (database versions not stated): TOPMed below 0.00001; gnomAD 0.00001; gnomAD exomes 0.00001.
gnomAD v4.1: 16 of 1,613,970 alleles (0.00099%); highest among the groups gnomAD compares: Non-Finnish European, 0.0013%; no homozygotes.

Submissions (2):

Ambry Genetics
Classification: Likely benign for Inborn genetic diseases. Last evaluated: 2019-07-11. Review status: criteria provided, single submitter. Criteria: Ambry Variant Classification Scheme 2023. Collection method: clinical testing. Allele origin: germline.

Labcorp Genetics (formerly Invitae), Labcorp
Classification: Uncertain significance for Charcot-Marie-Tooth disease axonal type 2C. Last evaluated: 2018-11-28. Review status: criteria provided, single submitter. Criteria: Invitae Variant Classification Sherloc (09022015). Collection method: clinical testing. Allele origin: germline.
Comment: In summary, the available evidence is currently insufficient to determine the role of this variant in disease. Therefore, it has been classified as a Variant of Uncertain Significance. This variant has not been reported in the literature in individuals with TRPV4-related disease. Algorithms developed to predict the effect of sequence changes on RNA splicing suggest that this variant may create or strengthen a splice site, but this prediction has not been confirmed by published transcriptional studies. This sequence change affects codon 305 of the TRPV4 mRNA. It is a 'silent' change, meaning that it does not change the encoded amino acid sequence of the TRPV4 protein. This variant is not present in population databases (ExAC no frequency).